The following is an entry in ClinVar:

NM_006904.7(PRKDC):c.11123G>A (p.Arg3708Lys)

Gene: PRKDC (protein kinase, DNA-activated, catalytic subunit; minus strand). Cytogenetic location: 8q11.21.
Variant type: single nucleotide variant.
Coding change: c.11123G>A on transcript NM_006904.7 (MANE Select); coding-DNA position 11123, G replaced by A.
Protein change: p.Arg3708Lys; replaces arginine 3708 with lysine.
Molecular consequence: missense variant.
Genome position (GRCh38, 1-based): chr8:47,783,794, C>T on the plus strand (G>A on the coding strand, the complement: PRKDC is on the minus strand). VCF-style: chr8-47783794-C-T. GRCh37 (hg19) VCF-style: chr8-48696355-C-T.
Other names: c.11123G>A, p.Arg3708Lys (NM_001081640.2); short protein forms R3708K.
Identifiers: ClinVar variation 2170931 (VCV002170931.4), dbSNP rs2086741535, ClinGen allele CA371130765.

ClinVar aggregate classification (germline): Uncertain significance (1 of 4 stars; one submission).

Conditions:
Severe combined immunodeficiency due to DNA-PKcs deficiency. Also called: IMMUNODEFICIENCY 26 WITH NEUROLOGIC ABNORMALITIES; Immunodeficiency 26 with or without neurologic abnormalities. Identifiers: Orphanet 317425, MedGen C4014833, MONDO:0014423, OMIM 615966.

Allele frequency attached by ClinVar (database versions not stated): gnomAD exomes below 0.00001.
gnomAD v4.1: 7 of 1,613,950 alleles (0.00043%); highest among the groups gnomAD compares: African/African-American, 0.0013%; no homozygotes.

Submission:

Labcorp Genetics (formerly Invitae), Labcorp
Classification: Uncertain significance for Severe combined immunodeficiency due to DNA-PKcs deficiency. Last evaluated: 2022-02-25. Review status: criteria provided, single submitter. Criteria: Invitae Variant Classification Sherloc (09022015). Collection method: clinical testing. Allele origin: germline.
Comment: Experimental studies and prediction algorithms are not available or were not evaluated, and the functional significance of this variant is currently unknown. This variant has not been reported in the literature in individuals affected with PRKDC-related conditions. This variant is not present in population databases (gnomAD no frequency). This sequence change replaces arginine, which is basic and polar, with lysine, which is basic and polar, at codon 3708 of the PRKDC protein (p.Arg3708Lys). In summary, the available evidence is currently insufficient to determine the role of this variant in disease. Therefore, it has been classified as a Variant of Uncertain Significance.